The following is an entry in ClinVar:

NM_006005.3(WFS1):c.460+1G>C

Gene: WFS1 (wolframin ER transmembrane glycoprotein; plus strand). Cytogenetic location: 4p16.1.
Variant type: single nucleotide variant.
Coding change: c.460+1G>C on transcript NM_006005.3 (MANE Select); the canonical splice donor site of the intron after coding-DNA position 460, G replaced by C.
Molecular consequence: splice donor variant.
Genome position (GRCh38, 1-based): chr4:6,289,132, G>C. VCF-style: chr4-6289132-G-C. GRCh37 (hg19) VCF-style: chr4-6290859-G-C.
Other names: NG_011700.1:g.24283G>C; c.460+1G>C (NM_001145853.1).
Identifiers: ClinVar variation 2576992 (VCV002576992.2), dbSNP rs1191510461, ClinGen allele CA356171818.

ClinVar aggregate classification (germline): Pathogenic (1 of 4 stars; one submission).

Conditions:
Wolfram syndrome 1 (WFS1). Identifiers: Orphanet 3463, MedGen C4551693, MONDO:0009101, OMIM 222300.

Submission:

Department Of Endocrinology, Sanjay Gandhi Postgraduate Institute Of Medical Sciences
Classification: Pathogenic for Wolfram syndrome 1. Last evaluated: 2023-08-15. Review status: criteria provided, single submitter. Criteria: ACMG Guidelines, 2015. Collection method: clinical testing. Allele origin: biparental. Inheritance: Autosomal recessive inheritance. Affected: yes. Observed: 1 homozygote.
Comment: Homozygous 5' splice site variation in intron 4 of the WFS1 gene that affects the invariant GT donor splice site of exon 4. The variant has not been reported in the 1000 genomes and gnomAD. The reference base is conserved across species. Multiple lines of computational evidence support a deleterious effect on the gene. PVS1 PM2 PP3